The following is an entry in ClinVar:

ClinVar aggregate classification (germline): Pathogenic. Review status: criteria provided, multiple submitters, no conflicts (2 of 4 stars). 6 submissions from 6 submitters: Pathogenic (6). Last evaluated 2026-09-08.

Conditions:
Fabry disease. Also called: Fabry's disease; Angiokeratoma corporis diffusum; ALPHA-GALACTOSIDASE A DEFICIENCY; ANDERSON-FABRY DISEASE; CERAMIDE TRIHEXOSIDASE DEFICIENCY; Ceramide trihexosidosis. Identifiers: Orphanet 324, MedGen C0002986, MONDO:0010526, OMIM 301500, HP:0001071. Disease mechanism: loss of function, Fabry disease is due to inactivating mutations in the X-linked GLA gene resulting in deficiency of the enzyme Alpha Galactosidase-A..

Submissions (6):

Genomenon, Inc
Classification: Pathogenic for Fabry disease. Last evaluated: 2026-09-08. Review status: criteria provided, single submitter. Criteria: Genomenon Sequence Variant Interpretation Standards - Updated. Collection method: curation. Allele origin: germline. Affected: yes.
Comment: GLA p.Gln250Ter (c.748C>T) is a nonsense variant that introduces a premature stop codon at amino acid position 250 and is predicted to result in a truncated or absent protein product. This variant has been observed in at least one proband with clinical features consistent with Fabry disease (PMID:26252393;30972193;16148726;15091117;12428061;28389313;25955246;11531969). Functional or patient cell studies have been reported (PMID:11531969;11889412;28389313). It is absent or not present at a significant frequency in gnomAD. In conclusion, we classify GLA p.Gln250Ter (c.748C>T) as a pathogenic variant.

Labcorp Genetics (formerly Invitae), Labcorp
Classification: Pathogenic for Fabry disease. Last evaluated: 2025-08-10. Review status: criteria provided, single submitter. Criteria: Invitae Variant Classification Sherloc (09022015). Collection method: clinical testing. Allele origin: germline.
Comment: This sequence change creates a premature translational stop signal (p.Gln250*) in the GLA gene. It is expected to result in an absent or disrupted protein product. Loss-of-function variants in GLA are known to be pathogenic (PMID: 10666480, 12175777). This variant is not present in population databases (gnomAD no frequency). This premature translational stop signal has been observed in individual(s) with Fabry disease (PMID: 11322659). ClinVar contains an entry for this variant (Variation ID: 92566). Algorithms developed to predict the effect of sequence changes on RNA splicing suggest that this variant may disrupt the consensus splice site. For these reasons, this variant has been classified as Pathogenic.

Genome-Nilou Lab
Classification: Pathogenic for Fabry disease. Last evaluated: 2021-07-15. Review status: criteria provided, single submitter. Criteria: ACMG Guidelines, 2015. Collection method: clinical testing. Allele origin: germline. Affected: no.

Women's Health and Genetics/Laboratory Corporation of America, LabCorp
Classification: Pathogenic for Fabry disease. Last evaluated: 2021-02-23. Review status: criteria provided, single submitter. Criteria: LabCorp Variant Classification Summary - May 2015. Collection method: clinical testing. Allele origin: germline.
Comment: Variant summary: GLA c.748C>T (p.Gln250X) results in a premature termination codon, predicted to cause a truncation of the encoded protein or absence of the protein due to nonsense mediated decay, which are commonly known mechanisms for disease. The variant was absent in 183454 control chromosomes (gnomAD). c.748C>T has been reported in the literature in individuals affected with Fabry Disease (example: Ashley_2001, Lopez_2017, Warnock_2015). These data indicate that the variant is likely to be associated with disease. Reduced serum leukocyte alpha galactosidase level was seen in a patient who was hemizygous for the variant of interest (Warnock_2015). One other ClinVar submitter (evaluation after 2014) cite the variant as pathogenic. Based on the evidence outlined above, the variant was classified as pathogenic.

Revvity Omics, Revvity
Classification: Pathogenic. Last evaluated: 2019-10-31. Review status: criteria provided, single submitter. Criteria: ACMG Guidelines, 2015. Collection method: clinical testing. Allele origin: germline.

Eurofins Ntd Llc (ga)
Classification: Pathogenic. Last evaluated: 2018-07-18. Review status: criteria provided, single submitter. Criteria: EGL ClinVar v180209 classification definitions. Collection method: clinical testing. Allele origin: germline. Observed: 15 variant alleles, 11 heterozygotes, 2 homozygotes, 2 hemizygotes.

Literature cited by the submitters: PubMed 26252393 (cited by Genomenon, Inc and Women's Health and Genetics/Laboratory Corporation of America, LabCorp); PubMed 30972193 (cited by Genomenon, Inc); PubMed 16148726 (cited by Genomenon, Inc); PubMed 15091117 (cited by Genomenon, Inc); PubMed 12428061 (cited by Genomenon, Inc); PubMed 28389313 (cited by Genomenon, Inc and Women's Health and Genetics/Laboratory Corporation of America, LabCorp); PubMed 25955246 (cited by Genomenon, Inc); PubMed 11531969 (cited by Genomenon, Inc); PubMed 11889412 (cited by Genomenon, Inc); PubMed 10666480 (cited by Labcorp Genetics (formerly Invitae), Labcorp); PubMed 12175777 (cited by Labcorp Genetics (formerly Invitae), Labcorp); PubMed 11322659 (cited by Labcorp Genetics (formerly Invitae), Labcorp and Women's Health and Genetics/Laboratory Corporation of America, LabCorp).

NM_000169.3(GLA):c.748C>T (p.Gln250Ter)

Genes: GLA (galactosidase alpha; minus strand), RPL36A-HNRNPH2 (RPL36A-HNRNPH2 readthrough; plus strand). Cytogenetic location: Xq22.1.
Variant type: single nucleotide variant.
Coding change: c.748C>T on transcript NM_000169.3 (MANE Select); coding-DNA position 748, C replaced by T.
Protein change: p.Gln250Ter; replaces glutamine 250 with a stop codon.
Molecular consequence: nonsense. On other transcripts: non-coding transcript variant (3), intron variant (2).
Genome position (GRCh38, 1-based): chrX:101,398,838, G>A on the plus strand (C>T on the coding strand, the complement: GLA is on the minus strand). VCF-style: chrX-101398838-G-A. GRCh37 (hg19) VCF-style: chrX-100653826-G-A.
Other names: NP_000160.1:p.Gln250*; c.871C>T, p.Gln291Ter (NM_001406747.1); c.748C>T, p.Gln250Ter (NM_001406748.1); c.300+3381G>A (NM_001199973.2); c.177+7016G>A (NM_001199974.2); short protein forms Q250*, Q291*.
Identifiers: ClinVar variation 92566 (VCV000092566.22), dbSNP rs398123221, ClinGen allele CA022045.